The following is an entry in ClinVar:

NM_004260.4(RECQL4):c.1753G>T (p.Val585Leu)

Gene: RECQL4 (RecQ like helicase 4; minus strand). Cytogenetic location: 8q24.3.
Variant type: single nucleotide variant.
Coding change: c.1753G>T on transcript NM_004260.4 (MANE Select); coding-DNA position 1753, G replaced by T.
Protein change: p.Val585Leu; replaces valine 585 with leucine.
Molecular consequence: missense variant.
Genome position (GRCh38, 1-based): chr8:144,514,314, C>A on the plus strand (G>T on the coding strand, the complement: RECQL4 is on the minus strand). VCF-style: chr8-144514314-C-A. GRCh37 (hg19) VCF-style: chr8-145739698-C-A.
Other names: short protein forms V585L.
Identifiers: ClinVar variation 565353 (VCV000565353.8), dbSNP rs770367395, ClinGen allele CA372681073.

ClinVar aggregate classification (germline): Uncertain significance. Review status: criteria provided, multiple submitters, no conflicts (2 of 4 stars). 2 submissions from 2 submitters: Uncertain significance (2). Last evaluated 2024-12-06.

Conditions:
Inborn genetic diseases. Identifiers: MedGen C0950123, MeSH D030342.
Baller-Gerold syndrome (BGS). Also called: CRANIOSYNOSTOSIS WITH RADIAL DEFECTS. Identifiers: Orphanet 1225, MedGen C0265308, MONDO:0009039, OMIM 218600.

Allele frequency attached by ClinVar (database versions not stated): TOPMed below 0.00001.
gnomAD v4.1: 14 of 1,609,680 alleles (0.00087%); highest among the groups gnomAD compares: Non-Finnish European, 0.0012%; no homozygotes.

Submissions (2):

Ambry Genetics
Classification: Uncertain significance for Inborn genetic diseases. Last evaluated: 2024-12-06. Review status: criteria provided, single submitter. Criteria: Ambry Variant Classification Scheme 2023. Collection method: clinical testing. Allele origin: germline.
Comment: The p.V585L variant (also known as c.1753G>T), located in coding exon 11 of the RECQL4 gene, results from a G to T substitution at nucleotide position 1753. The valine at codon 585 is replaced by leucine, an amino acid with highly similar properties. This amino acid position is conserved. In addition, this alteration is predicted to be tolerated by in silico analysis. Based on the available evidence, the clinical significance of this variant remains unclear.

Labcorp Genetics (formerly Invitae), Labcorp
Classification: Uncertain significance for Baller-Gerold syndrome. Last evaluated: 2023-05-02. Review status: criteria provided, single submitter. Criteria: Invitae Variant Classification Sherloc (09022015). Collection method: clinical testing. Allele origin: germline.
Comment: In summary, the available evidence is currently insufficient to determine the role of this variant in disease. Therefore, it has been classified as a Variant of Uncertain Significance. Advanced modeling of protein sequence and biophysical properties (such as structural, functional, and spatial information, amino acid conservation, physicochemical variation, residue mobility, and thermodynamic stability) performed at Invitae indicates that this missense variant is expected to disrupt RECQL4 protein function. ClinVar contains an entry for this variant (Variation ID: 565353). This variant has not been reported in the literature in individuals affected with RECQL4-related conditions. This variant is not present in population databases (gnomAD no frequency). This sequence change replaces valine, which is neutral and non-polar, with leucine, which is neutral and non-polar, at codon 585 of the RECQL4 protein (p.Val585Leu).